The following is an entry in ClinVar:

ClinVar aggregate classification (germline): Likely pathogenic (1 of 4 stars; one submission).

Conditions:
Nemaline myopathy 2 (NEM2). Also called: Nemaline myopathy 2, autosomal recessive. Identifiers: MedGen C1850569, MONDO:0009725, OMIM 256030.

gnomAD v4.1: 1 of 1,607,346 alleles (0.000062%); highest among the groups gnomAD compares: East Asian, 0.0022%; no homozygotes.

Submission:

Labcorp Genetics (formerly Invitae), Labcorp
Classification: Likely pathogenic for Nemaline myopathy 2. Last evaluated: 2023-07-19. Review status: criteria provided, single submitter. Criteria: Invitae Variant Classification Sherloc (09022015). Collection method: clinical testing. Allele origin: germline.
Comment: In summary, the currently available evidence indicates that the variant is pathogenic, but additional data are needed to prove that conclusively. Therefore, this variant has been classified as Likely Pathogenic. Algorithms developed to predict the effect of sequence changes on RNA splicing suggest that this variant may disrupt the consensus splice site. This variant has not been reported in the literature in individuals affected with NEB-related conditions. This variant is not present in population databases (gnomAD no frequency). This sequence change affects a donor splice site in intron 59 of the NEB gene. It is expected to disrupt RNA splicing. Variants that disrupt the donor or acceptor splice site typically lead to a loss of protein function (PMID: 16199547), and loss-of-function variants in NEB are known to be pathogenic (PMID: 25205138).

Literature cited by the submitters: PubMed 16199547; PubMed 25205138.

NM_001164508.2(NEB):c.8265+1G>T

Gene: NEB (nebulin; minus strand). Cytogenetic location: 2q23.3.
Variant type: single nucleotide variant.
Coding change: c.8265+1G>T on transcript NM_001164508.2 (MANE Select); the canonical splice donor site of the intron after coding-DNA position 8265, G replaced by T.
Molecular consequence: splice donor variant.
Genome position (GRCh38, 1-based): chr2:151,642,764, C>A on the plus strand (G>T on the coding strand, the complement: NEB is on the minus strand). VCF-style: chr2-151642764-C-A. GRCh37 (hg19) VCF-style: chr2-152499278-C-A.
Other names: c.8265+1G>T (NM_004543.5, NM_001164507.2, NM_001271208.2).
Identifiers: ClinVar variation 2745058 (VCV002745058.3), dbSNP rs1131691547, ClinGen allele CA348812731.